The following is an entry in ClinVar:

ClinVar aggregate classification (germline): Uncertain significance (1 of 4 stars; one submission).

Conditions:
Neurodegeneration with brain iron accumulation 5 (NBIA5). Also called: STATIC ENCEPHALOPATHY OF CHILDHOOD WITH NEURODEGENERATION IN ADULTHOOD; Beta-propeller protein-associated neurodegeneration. Identifiers: Orphanet 329284, MedGen C3550973, MONDO:0010476, OMIM 300894.

Submission:

Labcorp Genetics (formerly Invitae), Labcorp
Classification: Uncertain significance for Neurodegeneration with brain iron accumulation 5. Last evaluated: 2025-10-11. Review status: criteria provided, single submitter. Criteria: Invitae Variant Classification Sherloc (09022015). Collection method: clinical testing. Allele origin: germline.
Comment: This sequence change replaces leucine, which is neutral and non-polar, with isoleucine, which is neutral and non-polar, at codon 62 of the WDR45 protein (p.Leu62Ile). This variant is not present in population databases (gnomAD no frequency). This variant has not been reported in the literature in individuals affected with WDR45-related conditions. Invitae Evidence Modeling of protein sequence and biophysical properties (such as structural, functional, and spatial information, amino acid conservation, physicochemical variation, residue mobility, and thermodynamic stability) indicates that this missense variant is not expected to disrupt WDR45 protein function with a negative predictive value of 80%. In summary, the available evidence is currently insufficient to determine the role of this variant in disease. Therefore, it has been classified as a Variant of Uncertain Significance.

NM_001029896.2(WDR45):c.184C>A (p.Leu62Ile)

Genes: WDR45 (WD repeat domain 45; minus strand), LOC126863256 (BRD4-independent group 4 enhancer GRCh37_chrX:48934848-48936047; plus strand). Cytogenetic location: Xp11.23.
Variant type: single nucleotide variant.
Coding change: c.184C>A on transcript NM_001029896.2 (MANE Select); coding-DNA position 184, C replaced by A.
Protein change: p.Leu62Ile; replaces leucine 62 with isoleucine.
Molecular consequence: missense variant.
Genome position (GRCh38, 1-based): chrX:49,077,694, G>T on the plus strand (C>A on the coding strand, the complement: WDR45 is on the minus strand). VCF-style: chrX-49077694-G-T. GRCh37 (hg19) VCF-style: chrX-48935353-G-T.
Other names: c.184C>A, p.Leu62Ile (NM_007075.4); short protein forms L62I.
Identifiers: ClinVar variation 4746670 (VCV004746670.1).
Genomic context (GRCh38, chrX:49,077,694, plus strand): 5'-GGCACTTACCTGAGATCTCTGAGAACTTGGGACTACTACCACCGCCCACCAAGGCCAGAA[G>T]GTTGGAGCGGTGCAGCATCTCCACCAAGCCCATGCTGCCCACCTGCTCGTGGTCTGGACA-3'
Protein context (NP_001025067.1, residues 52-72): GLVEMLHRSN[Leu62Ile]LALVGGGSSP